The following is an entry in ClinVar:

NM_001163435.3(TBCK):c.2572-5del

Gene: TBCK (TBC1 domain containing kinase; minus strand). Cytogenetic location: 4q24.
Variant type: Deletion.
Coding change: c.2572-5del on transcript NM_001163435.3 (MANE Select); 5 bases into the intron before coding-DNA position 2572, one base deleted (T; older notation c.2572-5delT).
Molecular consequence: intron variant.
Genome position (GRCh38, 1-based): chr4:106,046,685, A deleted on the plus strand (T on the coding strand, the reverse complement: TBCK is on the minus strand); the first of 9 consecutive A bases (chr4:106,046,685-106,046,693); deleting any one gives the same sequence. VCF-style (leftmost placement, unchanged base first): chr4-106046684-GA-G. GRCh37 (hg19) VCF-style: chr4-106967841-GA-G.
Other names: c.2572-5del (NM_001163436.4); c.2383-5del (NM_033115.5); c.2455-5del (NM_001163437.3); c.2056-5del (NM_001290768.2); c.2572-5delT (NM_001163435.2).
Identifiers: ClinVar variation 1925237 (VCV001925237.7), dbSNP rs771058414, ClinGen allele CA3034666.

ClinVar aggregate classification (germline): Benign. Review status: criteria provided, single submitter (1 of 4 stars). 2 submissions from 2 submitters: Benign (1). 1 of the submissions does not count toward it. Last evaluated 2024-05-28.

Conditions:
TBCK-related disorder. Also called: TBCK-related condition; TBCK-related disorders.

Submissions (2):

Labcorp Genetics (formerly Invitae), Labcorp
Classification: Benign. Last evaluated: 2024-05-28. Review status: criteria provided, single submitter. Criteria: Invitae Variant Classification Sherloc (09022015). Collection method: clinical testing. Allele origin: germline.

PreventionGenetics, part of Exact Sciences
Classification: Likely benign for TBCK-related condition. Last evaluated: 2019-08-09. Review status: no assertion criteria provided. Collection method: clinical testing. Allele origin: germline. Not counted in ClinVar's aggregate classification.
Comment: This variant is classified as likely benign based on ACMG/AMP sequence variant interpretation guidelines (Richards et al. 2015 PMID: 25741868, with internal and published modifications).